The following is an entry in ClinVar:

NM_005751.5(AKAP9):c.1936A>G (p.Ile646Val)

Gene: AKAP9 (A-kinase anchoring protein 9; plus strand). Cytogenetic location: 7q21.2.
Variant type: single nucleotide variant.
Coding change: c.1936A>G on transcript NM_005751.5 (MANE Select); coding-DNA position 1936, A replaced by G.
Protein change: p.Ile646Val; replaces isoleucine 646 with valine.
Molecular consequence: missense variant.
Genome position (GRCh38, 1-based): chr7:92,001,853, A>G. VCF-style: chr7-92001853-A-G. GRCh37 (hg19) VCF-style: chr7-91631167-A-G.
Other names: c.1936A>G, p.Ile646Val (NM_147185.3); short protein forms I646V.
Identifiers: ClinVar variation 518795 (VCV000518795.14), dbSNP rs144918888, ClinGen allele CA4336074.

ClinVar aggregate classification (germline): Conflicting classifications of pathogenicity. Review status: criteria provided, conflicting classifications (1 of 4 stars). 3 submissions from 3 submitters: Uncertain significance (1); Benign (1); Likely benign (1). Last evaluated 2026-02-01.

Conditions:
Cardiovascular phenotype. Identifiers: MedGen CN230736.
Long QT syndrome (LQTS). Identifiers: MedGen C0023976, MeSH D008133, MONDO:0002442. Disease mechanism: loss of function. Inheritance: Various modes of inheritance.

Allele frequency attached by ClinVar (database versions not stated): gnomAD exomes 0.00002 and 0.00008; ExAC 0.00009; ESP Exome Variant Server 0.00023; gnomAD 0.00034 and 0.00039; TOPMed 0.00034; 1000 Genomes Project 0.00060; 1000 Genomes Project 30x 0.00078.
gnomAD v4.1: 90 of 1,613,474 alleles (0.0056%); highest among the groups gnomAD compares: African/African-American, 0.11%; no homozygotes.

Submissions (3):

Labcorp Genetics (formerly Invitae), Labcorp
Classification: Uncertain significance for Long QT syndrome. Last evaluated: 2026-02-01. Review status: criteria provided, single submitter. Criteria: Invitae Variant Classification Sherloc (09022015). Collection method: clinical testing. Allele origin: germline.
Comment: This sequence change replaces isoleucine, which is neutral and non-polar, with valine, which is neutral and non-polar, at codon 646 of the AKAP9 protein (p.Ile646Val). This variant is present in population databases (rs144918888, gnomAD 0.1%), and has an allele count higher than expected for a pathogenic variant. This variant has not been reported in the literature in individuals affected with AKAP9-related conditions. ClinVar contains an entry for this variant (Variation ID: 518795). An algorithm developed to predict the effect of missense changes on protein structure and function outputs the following: PolyPhen-2: "Benign". The valine amino acid residue is found in multiple mammalian species, which suggests that this missense change does not adversely affect protein function. In summary, the available evidence is currently insufficient to determine the role of this variant in disease. Therefore, it has been classified as a Variant of Uncertain Significance.

Blueprint Genetics
Classification: Likely benign. Last evaluated: 2024-08-02. Review status: criteria provided, single submitter. Criteria: ACMG Guidelines, 2015. Collection method: clinical testing. Allele origin: germline.

Ambry Genetics
Classification: Benign for Cardiovascular phenotype. Last evaluated: 2024-03-27. Review status: criteria provided, single submitter. Criteria: Ambry Variant Classification Scheme 2023. Collection method: clinical testing. Allele origin: germline.